The following is an entry in ClinVar:

NM_001429.4(EP300):c.2585C>G (p.Pro862Arg)

Gene: EP300 (E1A binding protein p300; plus strand). Cytogenetic location: 22q13.2.
Variant type: single nucleotide variant.
Coding change: c.2585C>G on transcript NM_001429.4 (MANE Select); coding-DNA position 2585, C replaced by G.
Protein change: p.Pro862Arg; replaces proline 862 with arginine.
Molecular consequence: missense variant.
Genome position (GRCh38, 1-based): chr22:41,149,966, C>G. VCF-style: chr22-41149966-C-G. GRCh37 (hg19) VCF-style: chr22-41545970-C-G.
Other names: c.2507C>G, p.Pro836Arg (NM_001362843.2); short protein forms P836R, P862R.
Identifiers: ClinVar variation 3348300 (VCV003348300.1).

ClinVar aggregate classification (germline): Uncertain significance (0 of 4 stars; one submission).

Conditions:
EP300-related disorder. Also called: EP300-related disorders; EP300-related condition.

gnomAD v4.1: 3 of 1,614,084 alleles (0.00019%); highest among the groups gnomAD compares: African/African-American, 0.0027%; no homozygotes.

Submission:

PreventionGenetics, part of Exact Sciences
Classification: Uncertain significance for EP300-related condition. Last evaluated: 2024-03-23. Review status: no assertion criteria provided. Collection method: clinical testing. Allele origin: germline.
Comment: The EP300 c.2585C>G variant is predicted to result in the amino acid substitution p.Pro862Arg. To our knowledge, this variant has not been reported in the literature. This variant is reported in 0.0062% of alleles in individuals of African descent in gnomAD. At this time, the clinical significance of this variant is uncertain due to the absence of conclusive functional and genetic evidence.